The following is an entry in ClinVar:

NM_005560.6(LAMA5):c.945G>C (p.Thr315=)

Gene: LAMA5 (laminin subunit alpha 5; minus strand). Cytogenetic location: 20q13.33.
Variant type: single nucleotide variant.
Coding change: c.945G>C on transcript NM_005560.6 (MANE Select); coding-DNA position 945, G replaced by C.
Protein change: p.Thr315=; no amino-acid change (threonine 315 retained).
Molecular consequence: synonymous variant.
Genome position (GRCh38, 1-based): chr20:62,351,715, C>G on the plus strand (G>C on the coding strand, the complement: LAMA5 is on the minus strand). VCF-style: chr20-62351715-C-G. GRCh37 (hg19) VCF-style: chr20-60926771-C-G.
Identifiers: ClinVar variation 2652494 (VCV002652494.24), dbSNP rs144291842, ClinGen allele CA511114736.

ClinVar aggregate classification (germline): Likely benign (1 of 4 stars; one submission).

Submission:

CeGaT Center for Human Genetics Tuebingen
Classification: Likely benign. Last evaluated: 2022-12-01. Review status: criteria provided, single submitter. Criteria: CeGaT Center For Human Genetics Tuebingen Variant Classification Criteria Version 2. Collection method: clinical testing. Allele origin: germline. Affected: yes. Observed: 1 variant allele.
Comment: LAMA5: PM2:Supporting, BP4, BP7